The following is an entry in ClinVar:

ClinVar aggregate classification (germline): Pathogenic (1 of 4 stars; one submission).

Conditions:
HYPERHOMOCYSTEINEMIA, THROMBOTIC, CBS-RELATED. Identifiers: MedGen C3150344, OMIM 236200.

Submission:

Labcorp Genetics (formerly Invitae), Labcorp
Classification: Pathogenic for HYPERHOMOCYSTEINEMIA, THROMBOTIC, CBS-RELATED. Last evaluated: 2024-05-09. Review status: criteria provided, single submitter. Criteria: Invitae Variant Classification Sherloc (09022015). Collection method: clinical testing. Allele origin: germline.
Comment: This sequence change affects an acceptor splice site in intron 14 of the CBS gene. It is expected to disrupt RNA splicing. Variants that disrupt the donor or acceptor splice site typically lead to a loss of protein function (PMID: 16199547), and loss-of-function variants in CBS are known to be pathogenic (PMID: 10338090, 12124992). This variant is not present in population databases (gnomAD no frequency). Disruption of this splice site has been observed in individual(s) with clinical features of CBS deficiency (PMID: 29508359; Invitae). In at least one individual the data is consistent with being in trans (on the opposite chromosome) from a pathogenic variant. Algorithms developed to predict the effect of sequence changes on RNA splicing suggest that this variant may disrupt the consensus splice site. For these reasons, this variant has been classified as Pathogenic.

Literature cited by the submitters: PubMed 16199547; PubMed 10338090; PubMed 12124992; PubMed 29508359.

NM_000071.3(CBS):c.1359-2A>C

Gene: CBS (cystathionine beta-synthase; minus strand). Cytogenetic location: 21q22.3.
Variant type: single nucleotide variant.
Coding change: c.1359-2A>C on transcript NM_000071.3 (MANE Select); the canonical splice acceptor site of the intron before coding-DNA position 1359, A replaced by C.
Molecular consequence: splice acceptor variant.
Genome position (GRCh38, 1-based): chr21:43,058,255, T>G on the plus strand (A>C on the coding strand, the complement: CBS is on the minus strand). VCF-style: chr21-43058255-T-G. GRCh37 (hg19) VCF-style: chr21-44478365-T-G.
Other names: c.1359-2A>C (NM_001320298.2, NM_001178009.3, NM_001178008.3); c.1044-2A>C (NM_001321072.1).
Identifiers: ClinVar variation 3622314 (VCV003622314.2).